The following is an entry in ClinVar:

ClinVar aggregate classification (germline): Likely benign. Review status: criteria provided, multiple submitters, no conflicts (2 of 4 stars). 3 submissions from 3 submitters: Likely benign (3). Last evaluated 2022-12-01.

Allele frequency attached by ClinVar (database versions not stated): 1000 Genomes Project 0.00080; ExAC 0.00140; 1000 Genomes Project 30x 0.00141; gnomAD 0.00168 and 0.00174; gnomAD exomes 0.00169 and 0.00346; TOPMed 0.00205; ESP Exome Variant Server 0.00251.
gnomAD v4.1: 4,884 of 1,500,236 alleles (0.33%); highest among the groups gnomAD compares: Non-Finnish European, 0.4%; 12 homozygotes.

Submissions (3):

CeGaT Center for Human Genetics Tuebingen
Classification: Likely benign. Last evaluated: 2022-12-01. Review status: criteria provided, single submitter. Criteria: CeGaT Center For Human Genetics Tuebingen Variant Classification Criteria Version 2. Collection method: clinical testing. Allele origin: germline. Affected: yes. Observed: 1 variant allele.
Comment: LGALS3: BP4, BP7, BS2

Labcorp Genetics (formerly Invitae), Labcorp
Classification: Likely benign. Last evaluated: 2018-07-11. Review status: criteria provided, single submitter. Criteria: Invitae Variant Classification Sherloc (09022015). Collection method: clinical testing. Allele origin: germline.

Breakthrough Genomics
Classification: Likely benign. Review status: criteria provided, single submitter. Criteria: ACMG Guidelines, 2015. Collection method: not provided. Allele origin: germline. Inheritance: Unknown mechanism. Affected: yes.

NM_002306.4(LGALS3):c.30G>A (p.Ala10=)

Gene: LGALS3 (galectin 3; plus strand). Cytogenetic location: 14q22.3.
Variant type: single nucleotide variant.
Coding change: c.30G>A on transcript NM_002306.4 (MANE Select); coding-DNA position 30, G replaced by A.
Protein change: p.Ala10=; no amino-acid change (alanine 10 retained).
Molecular consequence: synonymous variant. On other transcripts: non-coding transcript variant (1).
Genome position (GRCh38, 1-based): chr14:55,138,056, G>A. VCF-style: chr14-55138056-G-A. GRCh37 (hg19) VCF-style: chr14-55604774-G-A.
Other names: c.72G>A, p.Ala24= (NM_001357678.2).
Identifiers: ClinVar variation 712322 (VCV000712322.28), dbSNP rs11538648, ClinGen allele CA7195419.